The following is an entry in ClinVar:

ClinVar aggregate classification (germline): Benign/Likely benign. Review status: criteria provided, multiple submitters, no conflicts (2 of 4 stars). 3 submissions from 3 submitters: Benign (1); Likely benign (1). 1 of the submissions does not count toward it. Last evaluated 2026-01-23.

Conditions:
LAGE3-related disorder. Also called: LAGE3-related condition.

Allele frequency attached by ClinVar (database versions not stated): 1000 Genomes Project 0.00026; 1000 Genomes Project 30x 0.00062; gnomAD exomes 0.00162 and 0.00254; gnomAD 0.00213 and 0.00221; TOPMed 0.00217; ESP Exome Variant Server 0.00236; ExAC 0.00288.
gnomAD v4.1: 2,713 of 1,093,972 alleles (0.25%); highest among the groups gnomAD compares: Non-Finnish European, 0.29%; 5 homozygotes.

Submissions (3):

Labcorp Genetics (formerly Invitae), Labcorp
Classification: Benign. Last evaluated: 2026-01-23. Review status: criteria provided, single submitter. Criteria: Invitae Variant Classification Sherloc (09022015). Collection method: clinical testing. Allele origin: germline.

Blueprint Genetics
Classification: Likely benign. Last evaluated: 2024-11-22. Review status: criteria provided, single submitter. Criteria: ACMG Guidelines, 2015. Collection method: clinical testing. Allele origin: germline.

PreventionGenetics, part of Exact Sciences
Classification: Likely benign for LAGE3-related condition. Last evaluated: 2019-07-22. Review status: no assertion criteria provided. Collection method: clinical testing. Allele origin: germline. Not counted in ClinVar's aggregate classification.
Comment: This variant is classified as likely benign based on ACMG/AMP sequence variant interpretation guidelines (Richards et al. 2015 PMID: 25741868, with internal and published modifications).

NM_006014.5(LAGE3):c.179C>T (p.Pro60Leu)

Genes: LAGE3 (L antigen family member 3; minus strand), LOC130068876 (ATAC-STARR-seq lymphoblastoid silent region 21109; plus strand). Cytogenetic location: Xq28.
Variant type: single nucleotide variant.
Coding change: c.179C>T on transcript NM_006014.5 (MANE Select); coding-DNA position 179, C replaced by T.
Protein change: p.Pro60Leu; replaces proline 60 with leucine.
Molecular consequence: missense variant.
Genome position (GRCh38, 1-based): chrX:154,478,737, G>A on the plus strand (C>T on the coding strand, the complement: LAGE3 is on the minus strand). VCF-style: chrX-154478737-G-A. GRCh37 (hg19) VCF-style: chrX-153707076-G-A.
Other names: short protein forms P60L.
Identifiers: ClinVar variation 789503 (VCV000789503.12), dbSNP rs11538409, ClinGen allele CA10565263.